The following is an entry in ClinVar:

ClinVar aggregate classification (germline): Uncertain significance (1 of 4 stars; one submission).

Conditions:
Inborn genetic diseases. Identifiers: MedGen C0950123, MeSH D030342.

gnomAD v4.1: 3 of 1,613,372 alleles (0.00019%); highest among the groups gnomAD compares: Non-Finnish European, 0.000085%; no homozygotes.

Submission:

Ambry Genetics
Classification: Uncertain significance for Inborn genetic diseases. Last evaluated: 2026-07-03. Review status: criteria provided, single submitter. Criteria: Ambry Variant Classification Scheme 2023. Collection method: clinical testing. Allele origin: germline.
Comment: The c.1478G>C (p.G493A) alteration is located in exon 12 (coding exon 11) of the COCH gene. This alteration results from a G to C substitution at nucleotide position 1478, causing the glycine (G) at amino acid position 493 to be replaced by an alanine (A). Based on data from gnomAD, the C allele has an overall frequency of <0.001% (1/251330) total alleles studied. The highest observed frequency was <0.001% (/) of alleles. Based on insufficient or conflicting evidence, the clinical significance of this alteration remains unclear.

NM_004086.3(COCH):c.1478G>C (p.Gly493Ala)

Genes: COCH (cochlin; plus strand), COCH-AS1 (COCH antisense RNA 1; minus strand). Cytogenetic location: 14q12.
Variant type: single nucleotide variant.
Coding change: c.1478G>C on transcript NM_004086.3 (MANE Select); coding-DNA position 1478, G replaced by C.
Protein change: p.Gly493Ala; replaces glycine 493 with alanine.
Molecular consequence: missense variant. On other transcripts: non-coding transcript variant (1).
Genome position (GRCh38, 1-based): chr14:30,889,616, G>C. VCF-style: chr14-30889616-G-C. GRCh37 (hg19) VCF-style: chr14-31358822-G-C.
Other names: c.1478G>C, p.Gly493Ala (NM_001135058.2); c.1673G>C, p.Gly558Ala (NM_001347720.2); short protein forms G493A, G558A.
Identifiers: ClinVar variation 5034666 (VCV005034666.1).